The following is an entry in ClinVar:

NM_002627.5(PFKP):c.1684-4588C>G

Gene: PFKP (phosphofructokinase, platelet; plus strand). Cytogenetic location: 10p15.2.
Variant type: single nucleotide variant.
Coding change: c.1684-4588C>G on transcript NM_002627.5 (MANE Select); 4588 bases into the intron before coding-DNA position 1684, C replaced by G.
Molecular consequence: intron variant. On other transcripts: synonymous variant (1).
Genome position (GRCh38, 1-based): chr10:3,125,231, C>G. VCF-style: chr10-3125231-C-G. GRCh37 (hg19) VCF-style: chr10-3167423-C-G.
Other names: c.1818C>G, p.Gly606= (NM_001410880.1); c.1570-4588C>G (NM_001323071.2, NM_001323072.2, NM_001345944.1); c.1531-4588C>G (NM_001323068.2); c.1177-4588C>G (NM_001323069.2); c.1603-4588C>G (NM_001323067.2); c.1660-4588C>G (NM_001242339.2); c.1036-4588C>G (NM_001323074.1, NM_001323073.1); c.883-4588C>G (NM_001323070.1).
Identifiers: ClinVar variation 3777852 (VCV003777852.7).

ClinVar aggregate classification (germline): Likely benign (1 of 4 stars; one submission).

gnomAD v4.1: 3,218 of 1,328,932 alleles (0.24%); highest among the groups gnomAD compares: South Asian, 0.68%; 9 homozygotes.

Submission:

CeGaT Center for Human Genetics Tuebingen
Classification: Likely benign. Last evaluated: 2025-03-01. Review status: criteria provided, single submitter. Criteria: CeGaT Center For Human Genetics Tuebingen Variant Classification Criteria Version 2. Collection method: clinical testing. Allele origin: germline. Affected: yes. Observed: 1 variant allele.
Comment: PFKP: BP4, BP7